The following is an entry in ClinVar:

NM_001042492.3(NF1):c.7139T>C (p.Leu2380Pro)

Gene: NF1 (neurofibromin 1; plus strand). Cytogenetic location: 17q11.2.
Variant type: single nucleotide variant.
Coding change: c.7139T>C on transcript NM_001042492.3 (MANE Select); coding-DNA position 7139, T replaced by C.
Protein change: p.Leu2380Pro; replaces leucine 2380 with proline.
Molecular consequence: missense variant.
Genome position (GRCh38, 1-based): chr17:31,343,085, T>C. VCF-style: chr17-31343085-T-C. GRCh37 (hg19) VCF-style: chr17-29670103-T-C.
Other names: c.7076T>C, p.Leu2359Pro (NM_000267.4); short protein forms L2359P, L2380P.
Identifiers: ClinVar variation 826821 (VCV000826821.4), dbSNP rs1597851364, ClinGen allele CA399015676.
Genomic context (GRCh38, chr17:31,343,085, plus strand): 5'-TTATGGCAATCCGGAATCCTCTGGAGTGGCACTGCAAGCAAATGGATCATTTTGTTGGAC[T>C]CAATTTCAACTCTAACTTTAACTTTGCATTGGTTGGACACCTTTTAAAAGGTAAAAAAGC-3'
Protein context (NP_001035957.1, residues 2370-2390): HCKQMDHFVG[Leu2380Pro]NFNSNFNFAL

ClinVar aggregate classification (germline): Uncertain significance (1 of 4 stars; one submission).

Conditions:
Hereditary cancer-predisposing syndrome. Also called: Neoplastic Syndromes, Hereditary; Tumor predisposition; Hereditary neoplastic syndrome; Hereditary Cancer Syndrome. Identifiers: Orphanet 140162, MedGen C0027672, MeSH D009386, MONDO:0015356.
Cardiovascular phenotype. Identifiers: MedGen CN230736.

Submission:

Ambry Genetics
Classification: Uncertain significance for Cardiovascular phenotype; Hereditary cancer-predisposing syndrome. Last evaluated: 2019-06-04. Review status: criteria provided, single submitter. Criteria: Ambry Variant Classification Scheme 2023. Collection method: clinical testing. Allele origin: germline.
Comment: The p.L2359P variant (also known as c.7076T>C), located in coding exon 47 of the NF1 gene, results from a T to C substitution at nucleotide position 7076. The leucine at codon 2359 is replaced by proline, an amino acid with similar properties. This amino acid position is highly conserved in available vertebrate species. In addition, this alteration is predicted to be deleterious by in silico analysis. Since supporting evidence is limited at this time, the clinical significance of this alteration remains unclear.